The following is an entry in ClinVar:

NM_031885.5(BBS2):c.1933A>G (p.Met645Val)

Gene: BBS2 (Bardet-Biedl syndrome 2; minus strand). Cytogenetic location: 16q13.
Variant type: single nucleotide variant.
Coding change: c.1933A>G on transcript NM_031885.5 (MANE Select); coding-DNA position 1933, A replaced by G.
Protein change: p.Met645Val; replaces methionine 645 with valine.
Molecular consequence: missense variant. On other transcripts: non-coding transcript variant (5).
Genome position (GRCh38, 1-based): chr16:56,485,716, T>C on the plus strand (A>G on the coding strand, the complement: BBS2 is on the minus strand). VCF-style: chr16-56485716-T-C. GRCh37 (hg19) VCF-style: chr16-56519628-T-C.
Other names: c.1933A>G, p.Met645Val (NM_001377456.1); short protein forms M645V.
Identifiers: ClinVar variation 4984758 (VCV004984758.1).

ClinVar aggregate classification (germline): Uncertain significance (1 of 4 stars; one submission).

Conditions:
BBS2-related disorder. Also called: BBS2-related condition; BBS2-related disorders. Identifiers: MedGen CN239228.

gnomAD v4.1: 3 of 1,613,994 alleles (0.00019%); highest among the groups gnomAD compares: Admixed American, 0.0033%; no homozygotes.

Submission:

PreventionGenetics, part of Exact Sciences
Classification: Uncertain significance for BBS2-related condition. Last evaluated: 2024-11-15. Review status: criteria provided, single submitter. Criteria: ACMG Guidelines, 2015. Collection method: clinical testing. Allele origin: germline.
Comment: The BBS2 c.1933A>G variant is predicted to result in the amino acid substitution p.Met645Val. To our knowledge, this variant has not been reported in the literature. This variant is reported in 0.0058% of alleles in individuals of Latino descent in gnomAD. At this time, the clinical significance of this variant is uncertain due to the absence of conclusive functional and genetic evidence.